The following is an entry in ClinVar:

NM_001113491.2(SEPTIN9):c.818C>T (p.Pro273Leu)

Gene: SEPTIN9 (septin 9; plus strand). Cytogenetic location: 17q25.3.
Variant type: single nucleotide variant.
Coding change: c.818C>T on transcript NM_001113491.2 (MANE Select); coding-DNA position 818, C replaced by T.
Protein change: p.Pro273Leu; replaces proline 273 with leucine.
Molecular consequence: missense variant.
Genome position (GRCh38, 1-based): chr17:77,482,240, C>T. VCF-style: chr17-77482240-C-T. GRCh37 (hg19) VCF-style: chr17-75478322-C-T.
Other names: c.761C>T, p.Pro254Leu (NM_001293695.2); c.146C>T, p.Pro49Leu (NM_001293696.2); c.65C>T, p.Pro22Leu (NM_001293697.2, NM_001293698.2, NM_001113495.2 and 1 more transcripts); c.764C>T, p.Pro255Leu (NM_006640.5); c.764C>T (NM_006640.4); c.326C>T, p.Pro109Leu (NM_001113492.2, NM_001113494.1); c.797C>T, p.Pro266Leu (NM_001113493.2); short protein forms P273L, P109L, P22L, P254L, P255L, P49L, P266L.
Identifiers: ClinVar variation 2715768 (VCV002715768.5), dbSNP rs767006368, ClinGen allele CA8793532.

ClinVar aggregate classification (germline): Uncertain significance. Review status: criteria provided, multiple submitters, no conflicts (2 of 4 stars). 2 submissions from 2 submitters: Uncertain significance (2). Last evaluated 2024-10-12.

Conditions:
Inborn genetic diseases. Identifiers: MedGen C0950123, MeSH D030342.

Allele frequency attached by ClinVar (database versions not stated): ExAC 0.00003; TOPMed 0.00012; gnomAD 0.00018.
gnomAD v4.1: 48 of 1,612,896 alleles (0.003%); highest among the groups gnomAD compares: Admixed American, 0.042%; no homozygotes.

Submissions (2):

Ambry Genetics
Classification: Uncertain significance for Inborn genetic diseases. Last evaluated: 2024-10-12. Review status: criteria provided, single submitter. Criteria: Ambry Variant Classification Scheme 2023. Collection method: clinical testing. Allele origin: germline.

Labcorp Genetics (formerly Invitae), Labcorp
Classification: Uncertain significance. Last evaluated: 2024-03-09. Review status: criteria provided, single submitter. Criteria: Invitae Variant Classification Sherloc (09022015). Collection method: clinical testing. Allele origin: germline.
Comment: This sequence change replaces proline, which is neutral and non-polar, with leucine, which is neutral and non-polar, at codon 255 of the SEPT9 protein (p.Pro255Leu). This variant is present in population databases (rs767006368, gnomAD 0.01%). This variant has not been reported in the literature in individuals affected with SEPT9-related conditions. Advanced modeling of protein sequence and biophysical properties (such as structural, functional, and spatial information, amino acid conservation, physicochemical variation, residue mobility, and thermodynamic stability) performed at Invitae indicates that this missense variant is not expected to disrupt SEPT9 protein function with a negative predictive value of 80%. In summary, the available evidence is currently insufficient to determine the role of this variant in disease. Therefore, it has been classified as a Variant of Uncertain Significance.